The following is an entry in ClinVar:

NM_000059.4(BRCA2):c.2504C>T (p.Pro835Leu)

Gene: BRCA2 (BRCA2 DNA repair associated; plus strand). Cytogenetic location: 13q13.1.
Variant type: single nucleotide variant.
Coding change: c.2504C>T on transcript NM_000059.4 (MANE Select); coding-DNA position 2504, C replaced by T.
Protein change: p.Pro835Leu; replaces proline 835 with leucine.
Molecular consequence: missense variant.
Genome position (GRCh38, 1-based): chr13:32,336,859, C>T. VCF-style: chr13-32336859-C-T. GRCh37 (hg19) VCF-style: chr13-32910996-C-T.
Other names: short protein forms P835L.
Identifiers: ClinVar variation 642743 (VCV000642743.12), dbSNP rs1593897100, ClinGen allele CA387772431.
Genomic context (GRCh38, chr13:32,336,859, plus strand): 5'-TGGAAAAGAATCAAGATGTATGTGCTTTAAATGAAAATTATAAAAACGTTGAGCTGTTGC[C>T]ACCTGAAAAATACATGAGAGTAGCATCACCTTCAAGAAAGGTACAATTCAACCAAAACAC-3'
Protein context (NP_000050.3, residues 825-845): NENYKNVELL[Pro835Leu]PEKYMRVASP

ClinVar aggregate classification (germline): Conflicting classifications of pathogenicity. Review status: criteria provided, conflicting classifications (1 of 4 stars). 4 submissions from 4 submitters: Uncertain significance (3); Likely benign (1). Last evaluated 2025-07-09.

Conditions:
Hereditary cancer-predisposing syndrome. Also called: Neoplastic Syndromes, Hereditary; Tumor predisposition; Hereditary neoplastic syndrome; Hereditary Cancer Syndrome. Identifiers: Orphanet 140162, MedGen C0027672, MeSH D009386, MONDO:0015356.
Hereditary breast ovarian cancer syndrome. Also called: Hereditary breast and ovarian cancer; Hereditary breast and ovarian cancer syndrome; Hereditary breast and ovarian cancer syndrome (HBOC); Hereditary breast and/or ovarian cancer syndrome; Breast and ovarian cancer; BRCA1- and BRCA2-Associated Hereditary Breast and Ovarian Cancer. Identifiers: Orphanet 145, MedGen C0677776, MeSH D061325, MONDO:0003582. Disease mechanism: loss of function.

Allele frequency attached by ClinVar (database versions not stated): gnomAD exomes 0.00001.
gnomAD v4.1: 9 of 1,609,468 alleles (0.00056%); highest among the groups gnomAD compares: Non-Finnish European, 0.00076%; no homozygotes.

Submissions (4):

Color Diagnostics, LLC DBA Color Health
Classification: Uncertain significance for Hereditary cancer-predisposing syndrome. Last evaluated: 2025-07-09. Review status: criteria provided, single submitter. Criteria: ACMG Guidelines, 2015. Collection method: clinical testing. Allele origin: germline.
Comment: This missense variant replaces proline with leucine at codon 835 of the BRCA2 protein. Computational prediction suggests that this variant may not impact protein structure and function. To our knowledge, functional studies have not been reported for this variant. This variant has been detected in a breast cancer case-control meta-analysis in 1/60466 cases and 0/53461 unaffected individuals (PMID: 33471991Leiden Open Variation Database DB-ID BRCA2_007954). This variant has not been identified in the general population by the Genome Aggregation Database (gnomAD). The available evidence is insufficient to determine the role of this variant in disease conclusively. Therefore, this variant is classified as a Variant of Uncertain Significance.

Labcorp Genetics (formerly Invitae), Labcorp
Classification: Uncertain significance for Hereditary breast ovarian cancer syndrome. Last evaluated: 2024-11-05. Review status: criteria provided, single submitter. Criteria: Invitae Variant Classification Sherloc (09022015). Collection method: clinical testing. Allele origin: germline.
Comment: This sequence change replaces proline, which is neutral and non-polar, with leucine, which is neutral and non-polar, at codon 835 of the BRCA2 protein (p.Pro835Leu). This variant is not present in population databases (gnomAD no frequency). This variant has not been reported in the literature in individuals affected with BRCA2-related conditions. ClinVar contains an entry for this variant (Variation ID: 642743). Invitae Evidence Modeling of protein sequence and biophysical properties (such as structural, functional, and spatial information, amino acid conservation, physicochemical variation, residue mobility, and thermodynamic stability) indicates that this missense variant is not expected to disrupt BRCA2 protein function with a negative predictive value of 95%. In summary, the available evidence is currently insufficient to determine the role of this variant in disease. Therefore, it has been classified as a Variant of Uncertain Significance.

Ambry Genetics
Classification: Uncertain significance for Hereditary cancer-predisposing syndrome. Last evaluated: 2023-06-29. Review status: criteria provided, single submitter. Criteria: Ambry Variant Classification Scheme 2023. Collection method: clinical testing. Allele origin: germline.
Comment: The p.P835L variant (also known as c.2504C>T), located in coding exon 10 of the BRCA2 gene, results from a C to T substitution at nucleotide position 2504. The proline at codon 835 is replaced by leucine, an amino acid with similar properties. This amino acid position is not well conserved in available vertebrate species. In addition, this alteration is predicted to be tolerated by in silico analysis. Since supporting evidence is limited at this time, the clinical significance of this alteration remains unclear.

University of Washington Department of Laboratory Medicine, University of Washington
Classification: Likely benign for Hereditary cancer-predisposing syndrome. Last evaluated: 2023-03-23. Review status: criteria provided, single submitter. Criteria: Dines et al. (Genet Med. 2020). Collection method: curation. Allele origin: germline.
Comment: Missense variant in a coldspot region where missense variants are very unlikely to be pathogenic (PMID:31911673).

BRCA2 exon 11 coldspot. Reclassification based on statistical prior probability.

Literature cited by the submitters: PubMed 33471991 (cited by Color Diagnostics, LLC DBA Color Health).